The following is an entry in ClinVar:

ClinVar aggregate classification (germline): Uncertain significance (1 of 4 stars; one submission).

Conditions:
Gorlin syndrome. Also called: Basal cell nevus syndrome; Nevoid Basal Cell Carcinoma Syndrome. Identifiers: Orphanet 377, MedGen C0004779, MONDO:0007187.

Allele frequency attached by ClinVar (database versions not stated): gnomAD exomes below 0.00001.

Submission:

Labcorp Genetics (formerly Invitae), Labcorp
Classification: Uncertain significance for Gorlin syndrome. Last evaluated: 2021-07-13. Review status: criteria provided, single submitter. Criteria: Invitae Variant Classification Sherloc (09022015). Collection method: clinical testing. Allele origin: germline.
Comment: This sequence change results in a frameshift in the PTCH1 gene (p.Cys1398Serfs*54). While this is not anticipated to result in nonsense mediated decay, it is expected to disrupt the last 50 amino acid(s) of the PTCH1 protein and extend the protein by 3 additional amino acid residues. This variant is not present in population databases (ExAC no frequency). This variant has not been reported in the literature in individuals affected with PTCH1-related conditions. Experimental studies and prediction algorithms are not available or were not evaluated, and the functional significance of this variant is currently unknown. In summary, the available evidence is currently insufficient to determine the role of this variant in disease. Therefore, it has been classified as a Variant of Uncertain Significance.

NM_000264.5(PTCH1):c.4193del (p.Cys1398fs)

Gene: PTCH1 (patched 1; minus strand). Cytogenetic location: 9q22.32.
Variant type: Deletion.
Coding change: c.4193del on transcript NM_000264.5 (MANE Select); coding-DNA position 4193, one base deleted (G; older notation c.4193delG).
Protein change: p.Cys1398fs; shifts the reading frame from cysteine 1398.
Molecular consequence: frameshift variant. On other transcripts: non-coding transcript variant (1).
Genome position (GRCh38, 1-based): chr9:95,447,063, C deleted on the plus strand (G on the coding strand, the reverse complement: PTCH1 is on the minus strand). VCF-style (leftmost placement, unchanged base first): chr9-95447062-GC-G. GRCh37 (hg19) VCF-style: chr9-98209344-GC-G.
Other names: c.3995del, p.Cys1332fs (NM_001083602.3); c.4190del, p.Cys1397fs (NM_001083603.3); c.3740del, p.Cys1247fs (NM_001083604.3, NM_001083605.3, NM_001083606.3 and 1 more transcripts); c.4037del, p.Cys1346fs (NM_001354918.2); short protein forms C1247fs, C1397fs, C1398fs, C1332fs, C1346fs.
Identifiers: ClinVar variation 949740 (VCV000949740.7), dbSNP rs1837977676, ClinGen allele CA1139661036.
Genomic context (GRCh38, chr9:95,447,062, plus strand): 5'-GACGTGGAAAGGCACGTGGGGGTCCTCAAACAGGCCGTGGTCAGTCTCAGGGTAGCCTGG[GC>G]AGAGTCCCCCTCGGGGGTTCCGCCCAGGCCCAGGGACAGGCGGCGGGTGCACGGCGACAG-3'